The following is an entry in ClinVar:

ClinVar aggregate classification (germline): Conflicting classifications of pathogenicity. Review status: criteria provided, conflicting classifications (1 of 4 stars). 4 submissions from 4 submitters: Likely pathogenic (1); Uncertain significance (3). Last evaluated 2025-12-24.

Conditions:
Hereditary cancer-predisposing syndrome. Also called: Tumor predisposition; Hereditary Cancer Syndrome; Hereditary neoplastic syndrome; Neoplastic Syndromes, Hereditary. Identifiers: Orphanet 140162, MedGen C0027672, MeSH D009386, MONDO:0015356.
Familial adenomatous polyposis 2. Also called: COLORECTAL ADENOMATOUS POLYPOSIS, AUTOSOMAL RECESSIVE; MUTYH Polyposis; MUTYH-associated polyposis; MUTYH-related attenuated familial adenomatous polyposis; Adenomas, multiple colorectal; ADENOMAS, MULTIPLE COLORECTAL, AUTOSOMAL RECESSIVE. Identifiers: Orphanet 220460, Orphanet 247798, MedGen C3272841, MONDO:0012041, OMIM 608456.

Allele frequency attached by ClinVar (database versions not stated): gnomAD exomes 0.00001.
gnomAD v4.1: 8 of 1,614,052 alleles (0.0005%); highest among the groups gnomAD compares: East Asian, 0.011%; no homozygotes.

Submissions (4):

Labcorp Genetics (formerly Invitae), Labcorp
Classification: Uncertain significance for Familial adenomatous polyposis 2. Last evaluated: 2025-12-24. Review status: criteria provided, single submitter. Criteria: Invitae Variant Classification Sherloc (09022015). Collection method: clinical testing. Allele origin: germline.
Comment: This sequence change replaces alanine, which is neutral and non-polar, with valine, which is neutral and non-polar, at codon 281 of the MUTYH protein (p.Ala281Val). This variant is present in population databases (no rsID available, gnomAD 0.01%). This missense change has been observed in individuals with adenomatous polyposis and/or MUTYH-associated polyposis (PMID: 34897210; internal data). ClinVar contains an entry for this variant (Variation ID: 406835). An algorithm developed to predict the effect of missense changes on protein structure and function (PolyPhen-2) suggests that this variant is likely to be disruptive. In summary, the available evidence is currently insufficient to determine the role of this variant in disease. Therefore, it has been classified as a Variant of Uncertain Significance.

Ambry Genetics
Classification: Likely pathogenic for Hereditary cancer-predisposing syndrome. Last evaluated: 2025-08-15. Review status: criteria provided, single submitter. Criteria: Ambry Variant Classification Scheme 2023. Collection method: clinical testing. Allele origin: germline.
Comment: The p.A281V variant (also known as c.842C>T), located in coding exon 10 of the MUTYH gene, results from a C to T substitution at nucleotide position 842. The alanine at codon 281 is replaced by valine, an amino acid with similar properties. This alteration was identified in conjunction with MUTYH c.857G>A in an individual with more than 100 adenomatous colon polyps however phase was not determined (Park JS et al. Dis Colon Rectum, 2022 06;65:793-803). In a massively parallel cell-based functional assay testing 7,8-dihydro-8- oxoguanine:adenine (8OG:A) repair activity, a byproduct of oxidative damage, this variant was reported to be non-functional (Hemker SL et al. Am J Hum Genet. Published online July 29, 2025. DOI: 10.1016/j.ajhg.2025.07.005). This amino acid position is highly conserved in available vertebrate species. In addition, this alteration is predicted to be deleterious by in silico analysis. This variant is considered to be rare based on population cohorts in the Genome Aggregation Database (gnomAD). Based on the majority of available evidence to date, this variant is likely to be pathogenic.

All of Us Research Program, National Institutes of Health
Classification: Uncertain significance for Familial adenomatous polyposis 2. Last evaluated: 2023-03-23. Review status: criteria provided, single submitter. Criteria: ACMG Guidelines, 2015. Collection method: clinical testing. Allele origin: germline. Inheritance: Autosomal recessive inheritance. Observed: 1 variant allele, 1 heterozygote.
Comment: This missense variant replaces alanine with valine at codon 281 of the MUTYH protein. Computational prediction suggests that this variant may have deleterious impact on protein structure and function (internally defined REVEL score threshold >= 0.7, PMID: 27666373). To our knowledge, functional studies have not been reported for this variant. This variant has not been reported in individuals affected with hereditary cancer in the literature. This variant has been identified in 3/250664 chromosomes in the general population by the Genome Aggregation Database (gnomAD). The available evidence is insufficient to determine the role of this variant in disease conclusively. Therefore, this variant is classified as a Variant of Uncertain Significance.

This study involves interpretation of variants in research participants for the purpose of population health screening. Participant phenotype was not available at the time of variant classification. Additional details can be found in publication PMID: 35346344, PMCID: PMC8962531

Color Diagnostics, LLC DBA Color Health
Classification: Uncertain significance for Hereditary cancer-predisposing syndrome. Last evaluated: 2023-03-01. Review status: criteria provided, single submitter. Criteria: ACMG Guidelines, 2015. Collection method: clinical testing. Allele origin: germline.
Comment: This missense variant replaces alanine with valine at codon 281 of the MUTYH protein. Computational prediction suggests that this variant may have deleterious impact on protein structure and function (internally defined REVEL score threshold >= 0.7, PMID: 27666373). To our knowledge, functional studies have not been reported for this variant. This variant has not been reported in individuals affected with hereditary cancer in the literature. This variant has been identified in 3/250664 chromosomes in the general population by the Genome Aggregation Database (gnomAD). The available evidence is insufficient to determine the role of this variant in disease conclusively. Therefore, this variant is classified as a Variant of Uncertain Significance.

Literature cited by the submitters: PubMed 34897210 (cited by Labcorp Genetics (formerly Invitae), Labcorp and Ambry Genetics); PubMed 40738107 (cited by Ambry Genetics).

NM_001048174.2(MUTYH):c.758C>T (p.Ala253Val)

Gene: MUTYH (mutY DNA glycosylase; minus strand). Cytogenetic location: 1p34.1.
Variant type: single nucleotide variant.
Coding change: c.758C>T on transcript NM_001048174.2 (MANE Select); coding-DNA position 758, C replaced by T.
Protein change: p.Ala253Val; replaces alanine 253 with valine.
Molecular consequence: missense variant. On other transcripts: non-coding transcript variant (2).
Genome position (GRCh38, 1-based): chr1:45,332,257, G>A on the plus strand (C>T on the coding strand, the complement: MUTYH is on the minus strand). VCF-style: chr1-45332257-G-A. GRCh37 (hg19) VCF-style: chr1-45797929-G-A.
Other names: c.758C>T, p.Ala253Val (NM_001048171.2, NM_001048173.2, NM_001293195.2); c.761C>T, p.Ala254Val (NM_001048172.2); c.842C>T, p.Ala281Val (NM_001128425.2); c.803C>T, p.Ala268Val (NM_001293190.2); c.791C>T, p.Ala264Val (NM_001293191.2); c.482C>T, p.Ala161Val (NM_001293192.2, NM_001293196.2); c.413C>T, p.Ala138Val (NM_001350650.2, NM_001350651.2); c.833C>T, p.Ala278Val (NM_012222.3); short protein forms A281V, A254V, A278V, A253V, A161V, A264V, A138V, A268V.
Identifiers: ClinVar variation 406835 (VCV000406835.22), dbSNP rs1060501329, ClinGen allele CA16610189.